The following is an entry in ClinVar:

ClinVar aggregate classification (germline): Uncertain significance (1 of 4 stars; one submission).

Allele frequency attached by ClinVar (database versions not stated): ExAC 0.00001; gnomAD exomes 0.00001.
gnomAD v4.1: 8 of 1,613,008 alleles (0.0005%); highest among the groups gnomAD compares: African/African-American, 0.0027%; no homozygotes.

Submission:

Labcorp Genetics (formerly Invitae), Labcorp
Classification: Uncertain significance. Last evaluated: 2022-08-22. Review status: criteria provided, single submitter. Criteria: Invitae Variant Classification Sherloc (09022015). Collection method: clinical testing. Allele origin: germline.
Comment: ClinVar contains an entry for this variant (Variation ID: 1395966). Algorithms developed to predict the effect of missense changes on protein structure and function are either unavailable or do not agree on the potential impact of this missense change (SIFT: "Deleterious"; PolyPhen-2: "Possibly Damaging"; Align-GVGD: "Class C0"). In summary, the available evidence is currently insufficient to determine the role of this variant in disease. Therefore, it has been classified as a Variant of Uncertain Significance. This variant has not been reported in the literature in individuals affected with RBP3-related conditions. This variant is present in population databases (rs782348994, gnomAD 0.003%). This sequence change replaces threonine, which is neutral and polar, with methionine, which is neutral and non-polar, at codon 361 of the RBP3 protein (p.Thr361Met).

NM_002900.3(RBP3):c.1082C>T (p.Thr361Met)

Gene: RBP3 (retinol binding protein 3; plus strand). Cytogenetic location: 10q11.22.
Variant type: single nucleotide variant.
Coding change: c.1082C>T on transcript NM_002900.3 (MANE Select); coding-DNA position 1082, C replaced by T.
Protein change: p.Thr361Met; replaces threonine 361 with methionine.
Molecular consequence: missense variant.
Genome position (GRCh38, 1-based): chr10:47,349,566, C>T. VCF-style: chr10-47349566-C-T. GRCh37 (hg19) VCF-style: chr10-48389796-G-A.
Other names: short protein forms T361M.
Identifiers: ClinVar variation 1395966 (VCV001395966.6), dbSNP rs782348994, ClinGen allele CA5487613.